The following is an entry in ClinVar:

ClinVar aggregate classification (germline): Uncertain significance (1 of 4 stars; one submission).

Conditions:
Gastrointestinal stromal tumor. Also called: Gastrointestinal stromal tumor, somatic; Gastrointestinal stroma tumor. Identifiers: Orphanet 44890, MedGen C0238198, MeSH D046152, MONDO:0011719, OMIM 606764, HP:0100723.

gnomAD v4.1: 1 of 1,611,966 alleles (0.000062%); highest among the groups gnomAD compares: East Asian, 0.0022%; no homozygotes.

Submission:

Labcorp Genetics (formerly Invitae), Labcorp
Classification: Uncertain significance for Gastrointestinal stromal tumor. Last evaluated: 2022-07-06. Review status: criteria provided, single submitter. Criteria: Invitae Variant Classification Sherloc (09022015). Collection method: clinical testing. Allele origin: germline.
Comment: In summary, the available evidence is currently insufficient to determine the role of this variant in disease. Therefore, it has been classified as a Variant of Uncertain Significance. This sequence change replaces arginine, which is basic and polar, with glycine, which is neutral and non-polar, at codon 981 of the PDGFRA protein (p.Arg981Gly). This variant is not present in population databases (gnomAD no frequency). This variant has not been reported in the literature in individuals affected with PDGFRA-related conditions. ClinVar contains an entry for this variant (Variation ID: 845609). Algorithms developed to predict the effect of missense changes on protein structure and function are either unavailable or do not agree on the potential impact of this missense change (SIFT: "Tolerated"; PolyPhen-2: "Possibly Damaging"; Align-GVGD: "Class C0").

NM_006206.6(PDGFRA):c.2941C>G (p.Arg981Gly)

Gene: PDGFRA (platelet derived growth factor receptor alpha; plus strand). Cytogenetic location: 4q12.
Variant type: single nucleotide variant.
Coding change: c.2941C>G on transcript NM_006206.6 (MANE Select); coding-DNA position 2941, C replaced by G.
Protein change: p.Arg981Gly; replaces arginine 981 with glycine.
Molecular consequence: missense variant.
Genome position (GRCh38, 1-based): chr4:54,290,373, C>G. VCF-style: chr4-54290373-C-G. GRCh37 (hg19) VCF-style: chr4-55156540-C-G.
Other names: c.3016C>G, p.Arg1006Gly (NM_001347828.2); c.2941C>G, p.Arg981Gly (NM_001347829.2); c.2980C>G, p.Arg994Gly (NM_001347830.2); short protein forms R981G, R994G, R1006G.
Identifiers: ClinVar variation 845609 (VCV000845609.10), dbSNP rs775205485, ClinGen allele CA356896036.